The following is an entry in ClinVar:

ClinVar aggregate classification (germline): Benign. Review status: criteria provided, multiple submitters, no conflicts (2 of 4 stars). 2 submissions from 2 submitters: Benign (2). Last evaluated 2018-01-12.

Conditions:
Erythrocytosis, familial, 4 (ECYT4). Identifiers: Orphanet 247511, MedGen C2673187, MONDO:0012729, OMIM 611783.

Allele frequency attached by ClinVar (database versions not stated): gnomAD 0.01007 and 0.01006; 1000 Genomes Project 30x 0.00937; gnomAD exomes 0.00903; 1000 Genomes Project 0.00919; TOPMed 0.01152.
gnomAD v4.1: 5,856 of 629,728 alleles (0.93%); highest among the groups gnomAD compares: Admixed American, 3.7%; 58 homozygotes.

Submissions (2):

Illumina Laboratory Services, Illumina
Classification: Benign for Erythrocytosis, familial, 4. Last evaluated: 2018-01-12. Review status: criteria provided, single submitter. Criteria: ICSL Variant Classification Criteria 13 December 2019. Collection method: clinical testing. Allele origin: germline.
Comment: This variant was observed in the ICSL laboratory as part of a predisposition screen in an ostensibly healthy population. It had not been previously curated by ICSL or reported in the Human Gene Mutation Database (HGMD: prior to June 1st, 2018), and was therefore a candidate for classification through an automated scoring system. Utilizing variant allele frequency, disease prevalence and penetrance estimates, and inheritance mode, an automated score was calculated to assess if this variant is too frequent to cause the disease. Based on the score and internal cut-off values, a variant classified as benign is not then subjected to further curation. The score for this variant resulted in a classification of benign for this disease.

Breakthrough Genomics
Classification: Benign. Review status: criteria provided, single submitter. Criteria: ACMG Guidelines, 2015. Collection method: not provided. Allele origin: germline. Inheritance: Autosomal dominant inheritance. Affected: yes.

NM_001430.5(EPAS1):c.*208T>C

Gene: EPAS1 (endothelial PAS domain protein 1; plus strand). Cytogenetic location: 2p21.
Variant type: single nucleotide variant.
Coding change: c.*208T>C on transcript NM_001430.5 (MANE Select); 208 bases downstream of the stop codon, T replaced by C.
Molecular consequence: 3 prime UTR variant.
Genome position (GRCh38, 1-based): chr2:46,384,868, T>C. VCF-style: chr2-46384868-T-C. GRCh37 (hg19) VCF-style: chr2-46612007-T-C.
Identifiers: ClinVar variation 336287 (VCV000336287.6), dbSNP rs139675215, ClinGen allele CA10615634.